The following is an entry in ClinVar:

ClinVar aggregate classification (germline): Likely benign (0 of 4 stars; one submission).

Conditions:
EHBP1-related disorder. Also called: EHBP1-related condition.

Allele frequency attached by ClinVar (database versions not stated): ExAC 0.00006; gnomAD 0.00011; TOPMed 0.00012; gnomAD exomes 0.00021; ESP Exome Variant Server 0.00038.
gnomAD v4.1: 326 of 1,613,860 alleles (0.02%); highest among the groups gnomAD compares: Non-Finnish European, 0.025%; 1 homozygote.

Submission:

PreventionGenetics, part of Exact Sciences
Classification: Likely benign for EHBP1-related condition. Last evaluated: 2022-11-30. Review status: no assertion criteria provided. Collection method: clinical testing. Allele origin: germline.
Comment: This variant is classified as likely benign based on ACMG/AMP sequence variant interpretation guidelines (Richards et al. 2015 PMID: 25741868, with internal and published modifications).

NM_001142616.3(EHBP1):c.855G>A (p.Leu285=)

Gene: EHBP1 (EH domain binding protein 1; plus strand). Cytogenetic location: 2p15.
Variant type: single nucleotide variant.
Coding change: c.855G>A on transcript NM_001142616.3 (MANE Select); coding-DNA position 855, G replaced by A.
Protein change: p.Leu285=; no amino-acid change (leucine 285 retained).
Molecular consequence: synonymous variant.
Genome position (GRCh38, 1-based): chr2:62,864,828, G>A. VCF-style: chr2-62864828-G-A. GRCh37 (hg19) VCF-style: chr2-63091963-G-A.
Other names: c.855G>A, p.Leu285= (NM_001142614.2, NM_001142615.3, NM_001354218.1 and 3 more transcripts); c.960G>A, p.Leu320= (NM_001354212.1, NM_001354213.1, NM_001354214.1 and 5 more transcripts).
Identifiers: ClinVar variation 3058680 (VCV003058680.2), dbSNP rs139562408, ClinGen allele CA1681008.
Genomic context (GRCh38, chr2:62,864,828, plus strand): 5'-AGACTCTTTTTATAATAACAGCTATAATCCCTTTAAAGAGGTGCAGACTCCACAGTATTT[G>A]AACCCATTCGATGAGCCAGAAGCATTTGTGACCATAAAGGATTCTCCTCCCCAGTCTACA-3'
Protein context (NP_001136088.1, residues 275-295): PFKEVQTPQY[Leu285=]NPFDEPEAFV